The following is an entry in ClinVar:

NM_006306.4(SMC1A):c.1808C>T (p.Pro603Leu)

Gene: SMC1A (structural maintenance of chromosomes 1A; minus strand). Cytogenetic location: Xp11.22.
Variant type: single nucleotide variant.
Coding change: c.1808C>T on transcript NM_006306.4 (MANE Select); coding-DNA position 1808, C replaced by T.
Protein change: p.Pro603Leu; replaces proline 603 with leucine.
Molecular consequence: missense variant.
Genome position (GRCh38, 1-based): chrX:53,405,596, G>A on the plus strand (C>T on the coding strand, the complement: SMC1A is on the minus strand). VCF-style: chrX-53405596-G-A. GRCh37 (hg19) VCF-style: chrX-53432528-G-A.
Other names: c.1742C>T, p.Pro581Leu (NM_001281463.1); short protein forms P581L, P603L.
Identifiers: ClinVar variation 2115433 (VCV002115433.4), dbSNP rs1368119738, ClinGen allele CA413253056.

ClinVar aggregate classification (germline): Uncertain significance (1 of 4 stars; one submission).

Conditions:
Congenital muscular hypertrophy-cerebral syndrome (CDLS2). Also called: SMC1A-Related Cornelia de Lange Syndrome; Cornelia de Lange syndrome 2. Identifiers: Orphanet 199, MedGen C1802395, MONDO:0010370, OMIM 300590.

Allele frequency attached by ClinVar (database versions not stated): TOPMed below 0.00001; gnomAD 0.00001.
gnomAD v4.1: 1 of 1,210,086 alleles (0.000083%); highest among the groups gnomAD compares: African/African-American, 0.0017%; no homozygotes.

Submission:

Labcorp Genetics (formerly Invitae), Labcorp
Classification: Uncertain significance for Congenital muscular hypertrophy-cerebral syndrome. Last evaluated: 2024-10-25. Review status: criteria provided, single submitter. Criteria: Invitae Variant Classification Sherloc (09022015). Collection method: clinical testing. Allele origin: germline.
Comment: This sequence change replaces proline, which is neutral and non-polar, with leucine, which is neutral and non-polar, at codon 603 of the SMC1A protein (p.Pro603Leu). This variant is not present in population databases (gnomAD no frequency). This variant has not been reported in the literature in individuals affected with SMC1A-related conditions. ClinVar contains an entry for this variant (Variation ID: 2115433). Invitae Evidence Modeling of protein sequence and biophysical properties (such as structural, functional, and spatial information, amino acid conservation, physicochemical variation, residue mobility, and thermodynamic stability) indicates that this missense variant is expected to disrupt SMC1A protein function with a positive predictive value of 95%. In summary, the available evidence is currently insufficient to determine the role of this variant in disease. Therefore, it has been classified as a Variant of Uncertain Significance.